The following is an entry in ClinVar:

ClinVar aggregate classification (germline): Uncertain significance. Review status: criteria provided, multiple submitters, no conflicts (2 of 4 stars). 3 submissions from 3 submitters: Uncertain significance (3). Last evaluated 2023-12-15.

Conditions:
Familial focal epilepsy with variable foci (FPEVF). Identifiers: Orphanet 98820, MedGen C1858477, MONDO:0020310.
Epilepsy, familial focal, with variable foci 1 (FFEVF1). Also called: DEPDC5-Related Epilepsy. Identifiers: MedGen C4551983, MONDO:0024556, OMIM 604364.

Allele frequency attached by ClinVar (database versions not stated): gnomAD exomes below 0.00001.
gnomAD v4.1: 3 of 1,608,272 alleles (0.00019%); highest among the groups gnomAD compares: East Asian, 0.0022%; no homozygotes.

Submissions (3):

Blueprint Genetics
Classification: Uncertain significance. Last evaluated: 2023-12-15. Review status: criteria provided, single submitter. Criteria: ACMG Guidelines, 2015. Collection method: clinical testing. Allele origin: germline.

Labcorp Genetics (formerly Invitae), Labcorp
Classification: Uncertain significance for Familial focal epilepsy with variable foci. Last evaluated: 2023-09-22. Review status: criteria provided, single submitter. Criteria: Invitae Variant Classification Sherloc (09022015). Collection method: clinical testing. Allele origin: germline.
Comment: In summary, the available evidence is currently insufficient to determine the role of this variant in disease. Therefore, it has been classified as a Variant of Uncertain Significance. Variants that disrupt the consensus splice site are a relatively common cause of aberrant splicing (PMID: 17576681, 9536098). Algorithms developed to predict the effect of sequence changes on RNA splicing suggest that this variant is not likely to affect RNA splicing. ClinVar contains an entry for this variant (Variation ID: 1033380). This variant has not been reported in the literature in individuals affected with DEPDC5-related conditions. This variant is not present in population databases (gnomAD no frequency). This sequence change falls in intron 13 of the DEPDC5 gene. It does not directly change the encoded amino acid sequence of the DEPDC5 protein. It affects a nucleotide within the consensus splice site.

Baylor Genetics
Classification: Uncertain significance for Epilepsy, familial focal, with variable foci 1. Last evaluated: 2018-03-14. Review status: criteria provided, single submitter. Criteria: ACMG Guidelines, 2015. Collection method: clinical testing. Allele origin: maternal. Affected: yes.
Comment: This variant was determined to be of uncertain significance according to ACMG Guidelines, 2015 [PMID:25741868].

Literature cited by the submitters: PubMed 17576681 (cited by Labcorp Genetics (formerly Invitae), Labcorp); PubMed 9536098 (cited by Labcorp Genetics (formerly Invitae), Labcorp).

NM_001242896.3(DEPDC5):c.872-3C>T

Gene: DEPDC5 (DEP domain containing 5, GATOR1 subcomplex subunit; plus strand). Cytogenetic location: 22q12.2.
Variant type: single nucleotide variant.
Coding change: c.872-3C>T on transcript NM_001242896.3 (MANE Select); 3 bases into the intron before coding-DNA position 872, C replaced by T.
Molecular consequence: intron variant.
Genome position (GRCh38, 1-based): chr22:31,798,579, C>T. VCF-style: chr22-31798579-C-T. GRCh37 (hg19) VCF-style: chr22-32194565-C-T.
Other names: c.872-3C>T (NM_001364318.2, NM_001136029.4, NM_014662.6 and 7 more transcripts); c.788-3C>T (NM_001369902.1, NM_001369901.1).
Identifiers: ClinVar variation 1033380 (VCV001033380.7), dbSNP rs2086521058, ClinGen allele CA2401666104.